The following is an entry in ClinVar:

ClinVar aggregate classification (germline): Benign. Review status: criteria provided, multiple submitters, no conflicts (2 of 4 stars). 2 submissions from 2 submitters: Benign (2). Last evaluated 2024-01-24.

Submissions (2):

Unidad de Genómica Garrahan, Hospital de Pediatría Garrahan
Classification: Benign. Last evaluated: 2024-01-24. Review status: criteria provided, single submitter. Criteria: ACMG Guidelines, 2015. Collection method: clinical testing. Allele origin: germline. Affected: no. Observed: 77 variant alleles.
Comment: This variant is classified as Benign based on local population frequency. This variant was detected in 88% of patients studied by a panel of primary immunodeficiencies. Number of patients: 77. Only high quality variants are reported.

GeneDx
Classification: Benign. Last evaluated: 2015-03-03. Review status: criteria provided, single submitter. Criteria: GeneDx Variant Classification Process June 2021. Collection method: clinical testing. Allele origin: germline. Affected: yes.

NM_006846.4(SPINK5):c.1607+93_1607+94del

Gene: SPINK5 (serine peptidase inhibitor Kazal type 5; plus strand). Cytogenetic location: 5q32.
Variant type: Deletion.
Coding change: c.1607+93_1607+94del on transcript NM_006846.4 (MANE Select); bases 93 to 94 of the intron after coding-DNA position 1607, 2 bases deleted (TG; older notation c.1607+93_1607+94delTG).
Molecular consequence: intron variant.
Genome position (GRCh38, 1-based): chr5:148,107,257-148,107,258, TG deleted; deleting any 2 consecutive bases within chr5:148,107,256-148,107,258 gives the same sequence; the c. name uses the placement nearest the transcript's 3' end. VCF-style (leftmost placement, unchanged base first): chr5-148107255-CGT-C. GRCh37 (hg19) VCF-style: chr5-147486818-CGT-C.
Other names: c.1607+93_1607+94del (NM_001127698.2, NM_001127699.2).
Identifiers: ClinVar variation 1266901 (VCV001266901.4), dbSNP rs3036740, ClinGen allele CA128923627.